The following is an entry in ClinVar:

NM_020937.4(FANCM):c.1385A>G (p.Lys462Arg)

Gene: FANCM (FA complementation group M; plus strand). Cytogenetic location: 14q21.2.
Variant type: single nucleotide variant.
Coding change: c.1385A>G on transcript NM_020937.4 (MANE Select); coding-DNA position 1385, A replaced by G.
Protein change: p.Lys462Arg; replaces lysine 462 with arginine.
Molecular consequence: missense variant.
Genome position (GRCh38, 1-based): chr14:45,155,448, A>G. VCF-style: chr14-45155448-A-G. GRCh37 (hg19) VCF-style: chr14-45624651-A-G.
Other names: c.1307A>G, p.Lys436Arg (NM_001308133.2); c.1385A>G, p.Lys462Arg (NM_001308134.2); short protein forms K436R, K462R.
Identifiers: ClinVar variation 4826008 (VCV004826008.1).
Genomic context (GRCh38, chr14:45,155,448, plus strand): 5'-AATTTGTTTATAGTCATCCAAAGTTAAAGAAATTAGAAGAAGTTGTAATTGAACACTTCA[A>G]GTCATGGAATGGTAGGTCATATTTAGTAGCTTTAAGGCAAGACAAAGTTATTGCAAGAGG-3'
Protein context (NP_065988.1, residues 452-472): KLEEVVIEHF[Lys462Arg]SWNAENTTEK

ClinVar aggregate classification (germline): Uncertain significance (1 of 4 stars; one submission).

Conditions:
Inborn genetic diseases. Identifiers: MedGen C0950123, MeSH D030342.

gnomAD v4.1: 1 of 1,479,102 alleles (0.000068%); highest among the groups gnomAD compares: Non-Finnish European, 0.000094%; no homozygotes.

Submission:

Ambry Genetics
Classification: Uncertain significance for Inborn genetic diseases. Last evaluated: 2026-03-01. Review status: criteria provided, single submitter. Criteria: Ambry Variant Classification Scheme 2023. Collection method: clinical testing. Allele origin: germline.
Comment: The p.K462R variant (also known as c.1385A>G), located in coding exon 8 of the FANCM gene, results from an A to G substitution at nucleotide position 1385. The lysine at codon 462 is replaced by arginine, an amino acid with highly similar properties. This amino acid position is conserved. In addition, this alteration is predicted to be tolerated by in silico analysis. Based on the available evidence, the clinical significance of this variant remains unclear.